The following is an entry in ClinVar:

NM_019014.6(POLR1B):c.3007C>T (p.Arg1003Cys)

Gene: POLR1B (RNA polymerase I subunit B; plus strand). Cytogenetic location: 2q14.1.
Variant type: single nucleotide variant.
Coding change: c.3007C>T on transcript NM_019014.6 (MANE Select); coding-DNA position 3007, C replaced by T.
Protein change: p.Arg1003Cys; replaces arginine 1003 with cysteine.
Molecular consequence: missense variant.
Genome position (GRCh38, 1-based): chr2:112,575,328, C>T. VCF-style: chr2-112575328-C-T. GRCh37 (hg19) VCF-style: chr2-113332905-C-T.
Other names: c.2839C>T, p.Arg947Cys (NM_001137604.3, NM_032212.2); c.3121C>T, p.Arg1041Cys (NM_001282772.2); c.2458C>T, p.Arg820Cys (NM_001282774.2); c.2374C>T, p.Arg792Cys (NM_001282776.2, NM_001371971.1); c.2590C>T, p.Arg864Cys (NM_001282777.2, NM_001282779.2, NM_001371970.1); c.3145C>T, p.Arg1049Cys (NM_001371969.1); short protein forms R1003C, R792C, R1049C, R820C, R947C, R1041C, R864C.
Identifiers: ClinVar variation 932312 (VCV000932312.5), dbSNP rs1684813071, ClinGen allele CA348277170.

ClinVar aggregate classification (germline): Pathogenic. Review status: criteria provided, single submitter (1 of 4 stars). 4 submissions from 4 submitters: Pathogenic (1). 3 of the submissions do not count toward it.

Conditions:
POLR1B-related disorder. Also called: POLR1B-related condition.
Treacher Collins syndrome 4. Identifiers: MedGen C5394546, MONDO:0030067, OMIM 618939.
Treacher Collins syndrome. Also called: TREACHER COLLINS-FRANCESCHETTI SYNDROME. Identifiers: Orphanet 861, MedGen C0242387, MONDO:0002457.

Submissions (4):

Clinical Genetics Service, Universitary Hospital 12 de Octubre
Classification: Pathogenic for Treacher Collins syndrome 4. Review status: criteria provided, single submitter. Criteria: ACMG Guidelines, 2015. Collection method: clinical testing. Allele origin: de novo. Affected: yes.

PreventionGenetics, part of Exact Sciences
Classification: Pathogenic for POLR1B-related condition. Last evaluated: 2023-12-20. Review status: no assertion criteria provided. Collection method: clinical testing. Allele origin: germline. Not counted in ClinVar's aggregate classification.
Comment: The POLR1B c.3007C>T variant is predicted to result in the amino acid substitution p.Arg1003Cys. This variant has been reported as a recurrent de novo variant in several individual with Treacher Collins syndrome type 4 (Sanchez et al. 2020. PubMed ID: 31649276; Enomoto et al. 2021. PubMed ID: 34012383). This variant has not been reported in a large population database, indicating this variant is rare. This variant is interpreted as pathogenic.

OMIM
Classification: Pathogenic for TREACHER COLLINS SYNDROME 4. Last evaluated: 2020-07-06. Review status: no assertion criteria provided. Collection method: literature only. Allele origin: germline. Not counted in ClinVar's aggregate classification.

GeneReviews
No classification provided. Condition: Treacher Collins syndrome. Review status: no classification provided. Collection method: literature only. Allele origin: germline. Not counted in ClinVar's aggregate classification.

Literature cited by the submitters: PubMed 31649276 (cited by OMIM).